The following is an entry in ClinVar:

NM_007294.4(BRCA1):c.1604G>C (p.Gly535Ala)

Gene: BRCA1 (BRCA1 DNA repair associated; minus strand). Cytogenetic location: 17q21.31.
Variant type: single nucleotide variant.
Coding change: c.1604G>C on transcript NM_007294.4 (MANE Select); coding-DNA position 1604, G replaced by C.
Protein change: p.Gly535Ala; replaces glycine 535 with alanine.
Molecular consequence: missense variant. On other transcripts: intron variant (137).
Genome position (GRCh38, 1-based): chr17:43,093,927, C>G on the plus strand (G>C on the coding strand, the complement: BRCA1 is on the minus strand). VCF-style: chr17-43093927-C-G. GRCh37 (hg19) VCF-style: chr17-41245944-C-G.
Other names: c.1391G>C, p.Gly464Ala (NM_001407571.1, NM_001407853.1, NM_001407894.1 and 9 more transcripts); c.1604G>C, p.Gly535Ala (NM_001407581.1, NM_001407582.1, NM_001407583.1 and 30 more transcripts); c.1601G>C, p.Gly534Ala (NM_001407587.1, NM_001407590.1, NM_001407591.1 and 22 more transcripts); c.1595G>C, p.Gly532Ala (NM_001407646.1, NM_001407647.1); c.1481G>C, p.Gly494Ala (NM_001407648.1, NM_001407664.1, NM_001407665.1 and 19 more transcripts); c.1478G>C, p.Gly493Ala (NM_001407649.1, NM_001407670.1, NM_001407671.1 and 11 more transcripts); c.1526G>C, p.Gly509Ala (NM_001407653.1, NM_001407654.1, NM_001407655.1 and 4 more transcripts); c.1523G>C, p.Gly508Ala (NM_001407659.1, NM_001407660.1, NM_001407661.1 and 1 more transcripts); and 40 more; short protein forms G535A, G488A, G407A, G447A, G493A, G508A, G239A, G424A.
Identifiers: ClinVar variation 419039 (VCV000419039.5), dbSNP rs1064793602, ClinGen allele CA10598832.

ClinVar aggregate classification (germline): Conflicting classifications of pathogenicity. Review status: criteria provided, conflicting classifications (1 of 4 stars). 2 submissions from 2 submitters: Uncertain significance (1); Likely benign (1). Last evaluated 2023-03-23.

Conditions:
Hereditary cancer-predisposing syndrome. Also called: Hereditary neoplastic syndrome; Tumor predisposition; Neoplastic Syndromes, Hereditary; Hereditary Cancer Syndrome. Identifiers: Orphanet 140162, MedGen C0027672, MeSH D009386, MONDO:0015356.

Submissions (2):

University of Washington Department of Laboratory Medicine, University of Washington
Classification: Likely benign for Hereditary cancer-predisposing syndrome. Last evaluated: 2023-03-23. Review status: criteria provided, single submitter. Criteria: Dines et al. (Genet Med. 2020). Collection method: curation. Allele origin: germline.
Comment: Missense variant in a coldspot region where missense variants are very unlikely to be pathogenic (PMID:31911673).

BRCA1 coldspot (exon 11 using historical exon numbering). Reclassification based on statistical prior probability

GeneDx
Classification: Uncertain significance. Last evaluated: 2015-05-12. Review status: criteria provided, single submitter. Criteria: GeneDx Variant Classification (06012015). Collection method: clinical testing. Allele origin: germline. Affected: yes.
Comment: This variant is denoted BRCA1 c.1604G>C at the cDNA level, p.Gly535Ala (G535A) at the protein level, and results in the change of a Glycine to an Alanine (GGA>GCA). Using alternate nomenclature, this variant would be defined as BRCA1 1723G>C. This variant has not, to our knowledge, been published in the literature as pathogenic or benign. BRCA1 Gly535Ala was not observed in approximately 6,500 individuals of European and African American ancestry in the NHLBI Exome Sequencing Project, indicating it is not a common benign variant in these populations. Since Glycine and Alanine share similar properties, this is considered a conservative amino acid substitution. BRCA1 Gly535Ala occurs at a position that is not conserved and is located in the DNA binding domain (Narod 2004). In silico analyses predict that this variant is unlikely to alter protein structure or function. Based on currently available information, it is unclear whether BRCA1 Gly535Ala is pathogenic or benign. We consider it to be a variant of uncertain significance.